The following is an entry in ClinVar:

ClinVar aggregate classification (germline): Uncertain significance. Review status: criteria provided, multiple submitters, no conflicts (2 of 4 stars). 2 submissions from 2 submitters: Uncertain significance (2). Last evaluated 2024-05-16.

Allele frequency attached by ClinVar (database versions not stated): ExAC 0.00001; gnomAD exomes 0.00001; TOPMed 0.00001; gnomAD 0.00002.
gnomAD v4.1: 8 of 1,613,376 alleles (0.0005%); highest among the groups gnomAD compares: Admixed American, 0.0033%; no homozygotes.

Submissions (2):

Mayo Clinic Laboratories, Mayo Clinic
Classification: Uncertain significance. Last evaluated: 2024-05-16. Review status: criteria provided, single submitter. Criteria: ACMG Guidelines, 2015. Collection method: clinical testing. Allele origin: germline. Observed: 1 variant allele.
Comment: BP4

Revvity Omics, Revvity
Classification: Uncertain significance. Last evaluated: 2024-02-19. Review status: criteria provided, single submitter. Criteria: ACMG Guidelines, 2015. Collection method: clinical testing. Allele origin: germline.

NM_001267550.2(TTN):c.20973C>G (p.Ser6991Arg)

Genes: TTN (titin; minus strand), LOC126806428 (BRD4-independent group 4 enhancer GRCh37_chr2:179588362-179589561; plus strand). Cytogenetic location: 2q31.2.
Variant type: single nucleotide variant.
Coding change: c.20973C>G on transcript NM_001267550.2 (MANE Select); coding-DNA position 20973, C replaced by G.
Protein change: p.Ser6991Arg; replaces serine 6991 with arginine.
Molecular consequence: missense variant. On other transcripts: intron variant (3).
Genome position (GRCh38, 1-based): chr2:178,724,402, G>C on the plus strand (C>G on the coding strand, the complement: TTN is on the minus strand). VCF-style: chr2-178724402-G-C. GRCh37 (hg19) VCF-style: chr2-179589129-G-C.
Other names: p.Ser6674Arg; c.20022C>G, p.Ser6674Arg (NM_001256850.1); c.17241C>G, p.Ser5747Arg (NM_133378.4); c.13282+13680C>G (NM_003319.4); c.13858+13680C>G (NM_133437.4); c.13657+13680C>G (NM_133432.3); short protein forms S6991R, S5747R, S6674R.
Identifiers: ClinVar variation 2437915 (VCV002437915.4), dbSNP rs778559152, ClinGen allele CA2001101.
Genomic context (GRCh38, chr2:178,724,402, plus strand): 5'-TTCAACTGAGAGAATCCTTAAGGAAGAGATTTTGTTGTAGAAGCTAAATTTGTGTTTTTG[G>C]CTGCTGGTCAACAGCTTTCCATCCTTGTACCATTCAACAGAGAGTTCCGGAGTGCCAGCC-3'
Protein context (NP_001254479.2, residues 6981-7001): WYKDGKLLTS[Ser6991Arg]QKHKFSFYNK